The following is an entry in ClinVar:

ClinVar aggregate classification (germline): Pathogenic (1 of 4 stars; one submission).

Submission:

GeneDx
Classification: Pathogenic. Last evaluated: 2026-01-22. Review status: criteria provided, single submitter. Criteria: GeneDx Variant Classification Process June 2021. Collection method: clinical testing. Allele origin: germline.
Comment: Not observed at significant frequency in large population cohorts (gnomAD); In silico analysis supports that this missense variant has a deleterious effect on protein structure/function; Affects a cysteine residue within an EGF-like domain of the FBN1 gene, which may affect disulfide bonding and is predicted to alter the structure and function of the protein; cysteine substitutions in the EGF-like domains represent the majority of pathogenic missense changes associated with FBN1-related disorders (PMID: 12938084); This variant is associated with the following publications: (PMID: 34281902, 12938084)

NM_000138.5(FBN1):c.3544T>C (p.Cys1182Arg)

Gene: FBN1 (fibrillin 1; minus strand). Cytogenetic location: 15q21.1.
Variant type: single nucleotide variant.
Coding change: c.3544T>C on transcript NM_000138.5 (MANE Select); coding-DNA position 3544, T replaced by C.
Protein change: p.Cys1182Arg; replaces cysteine 1182 with arginine.
Molecular consequence: missense variant.
Genome position (GRCh38, 1-based): chr15:48,487,120, A>G on the plus strand (T>C on the coding strand, the complement: FBN1 is on the minus strand). VCF-style: chr15-48487120-A-G. GRCh37 (hg19) VCF-style: chr15-48779317-A-G.
Other names: c.3544T>C, p.Cys1182Arg (NM_001406716.1); short protein forms C1182R.
Identifiers: ClinVar variation 4891499 (VCV004891499.1).